The following is an entry in ClinVar:

ClinVar aggregate classification (germline): Uncertain significance (1 of 4 stars; one submission).

Conditions:
Gastrointestinal stromal tumor. Also called: Gastrointestinal stroma tumor; Gastrointestinal stromal tumor, somatic. Identifiers: Orphanet 44890, MedGen C0238198, MeSH D046152, MONDO:0011719, OMIM 606764, HP:0100723.
Pheochromocytoma/paraganglioma syndrome 4. Also called: CAROTID BODY TUMORS AND MULTIPLE EXTRAADRENAL PHEOCHROMOCYTOMAS; SDHB-Related Hereditary Paraganglioma-Pheochromocytoma Syndrome; PARAGANGLIOMA, FAMILIAL MALIGNANT; PARAGANGLIOMAS, HEREDITARY EXTRAADRENAL; PHEOCHROMOCYTOMA, FAMILIAL EXTRAADRENAL; Paragangliomas 4. Identifiers: Orphanet 29072, MedGen C1861848, MONDO:0007273, OMIM 115310.
Pheochromocytoma. Also called: MAX-Related Hereditary Paraganglioma-Pheochromocytoma Syndrome. Identifiers: Orphanet 29072, MedGen C0031511, MONDO:0008233, OMIM 171300, HP:0002666.

gnomAD v4.1: 1 of 1,613,666 alleles (0.000062%); highest among the groups gnomAD compares: Non-Finnish European, 0.000085%; no homozygotes.

Submission:

Labcorp Genetics (formerly Invitae), Labcorp
Classification: Uncertain significance for Gastrointestinal stromal tumor; Pheochromocytoma/paraganglioma syndrome 4; Pheochromocytoma. Last evaluated: 2021-06-19. Review status: criteria provided, single submitter. Criteria: Invitae Variant Classification Sherloc (09022015). Collection method: clinical testing. Allele origin: germline.
Comment: Advanced modeling of protein sequence and biophysical properties (such as structural, functional, and spatial information, amino acid conservation, physicochemical variation, residue mobility, and thermodynamic stability) performed at Invitae indicates that this missense variant is not expected to disrupt SDHB protein function. This variant has not been reported in the literature in individuals with SDHB-related conditions. This variant is not present in population databases (ExAC no frequency). This sequence change replaces serine with tyrosine at codon 163 of the SDHB protein (p.Ser163Tyr). The serine residue is moderately conserved and there is a large physicochemical difference between serine and tyrosine. In summary, the available evidence is currently insufficient to determine the role of this variant in disease. Therefore, it has been classified as a Variant of Uncertain Significance.

NM_003000.3(SDHB):c.488C>A (p.Ser163Tyr)

Gene: SDHB (succinate dehydrogenase complex iron sulfur subunit B; minus strand). Cytogenetic location: 1p36.13.
Variant type: single nucleotide variant.
Coding change: c.488C>A on transcript NM_003000.3 (MANE Select); coding-DNA position 488, C replaced by A.
Protein change: p.Ser163Tyr; replaces serine 163 with tyrosine.
Molecular consequence: missense variant.
Genome position (GRCh38, 1-based): chr1:17,027,801, G>T on the plus strand (C>A on the coding strand, the complement: SDHB is on the minus strand). VCF-style: chr1-17027801-G-T. GRCh37 (hg19) VCF-style: chr1-17354296-G-T.
Other names: short protein forms S163Y.
Identifiers: ClinVar variation 1500069 (VCV001500069.8), dbSNP rs769687734, ClinGen allele CA338272755.